The following is an entry in ClinVar:

NM_015466.4(PTPN23):c.4655T>C (p.Leu1552Pro)

Gene: PTPN23 (protein tyrosine phosphatase non-receptor type 23; plus strand). Cytogenetic location: 3p21.31.
Variant type: single nucleotide variant.
Coding change: c.4655T>C on transcript NM_015466.4 (MANE Select); coding-DNA position 4655, T replaced by C.
Protein change: p.Leu1552Pro; replaces leucine 1552 with proline.
Molecular consequence: missense variant.
Genome position (GRCh38, 1-based): chr3:47,412,929, T>C. VCF-style: chr3-47412929-T-C. GRCh37 (hg19) VCF-style: chr3-47454419-T-C.
Other names: c.4277T>C, p.Leu1426Pro (NM_001304482.2); short protein forms L1552P, L1426P.
Identifiers: ClinVar variation 218720 (VCV000218720.43), dbSNP rs150037620, ClinGen allele CA249278.

ClinVar aggregate classification (germline): Benign. Review status: criteria provided, multiple submitters, no conflicts (2 of 4 stars). 3 submissions from 3 submitters: Benign (3). Last evaluated 2026-09-01.

Allele frequency attached by ClinVar (database versions not stated): 1000 Genomes Project 30x 0.00328; 1000 Genomes Project 0.00339; ExAC 0.00632; gnomAD exomes 0.00656 and 0.01218; ESP Exome Variant Server 0.00743; gnomAD 0.01777 and 0.01798.
gnomAD v4.1: 14,604 of 1,183,258 alleles (1.2%); highest among the groups gnomAD compares: Non-Finnish European, 1.5%; 97 homozygotes.

Submissions (3):

CeGaT Center for Human Genetics Tuebingen
Classification: Benign. Last evaluated: 2026-09-01. Review status: criteria provided, single submitter. Criteria: CeGaT Center For Human Genetics Tuebingen Variant Classification Criteria Version 2. Collection method: clinical testing. Allele origin: germline. Affected: yes. Observed: 54 variant alleles.
Comment: PTPN23: BS1, BS2

Labcorp Genetics (formerly Invitae), Labcorp
Classification: Benign. Last evaluated: 2026-02-03. Review status: criteria provided, single submitter. Criteria: Invitae Variant Classification Sherloc (09022015). Collection method: clinical testing. Allele origin: germline.

Genomic Diagnostic Laboratory, Division of Genomic Diagnostics, Children's Hospital of Philadelphia
Classification: Benign. Last evaluated: 2015-11-10. Review status: criteria provided, single submitter. Criteria: DGD Variant Analysis Guidelines. Collection method: clinical testing. Allele origin: unknown.